The following is an entry in ClinVar:

NM_006118.4(HAX1):c.235T>C (p.Phe79Leu)

Gene: HAX1 (HCLS1 associated protein X-1; plus strand). Cytogenetic location: 1q21.3.
Variant type: single nucleotide variant.
Coding change: c.235T>C on transcript NM_006118.4 (MANE Select); coding-DNA position 235, T replaced by C.
Protein change: p.Phe79Leu; replaces phenylalanine 79 with leucine.
Molecular consequence: missense variant.
Genome position (GRCh38, 1-based): chr1:154,273,517, T>C. VCF-style: chr1-154273517-T-C. GRCh37 (hg19) VCF-style: chr1-154245993-T-C.
Other names: c.91T>C, p.Phe31Leu (NM_001018837.2); short protein forms F31L, F79L.
Identifiers: ClinVar variation 4269037 (VCV004269037.1).

ClinVar aggregate classification (germline): Uncertain significance (1 of 4 stars; one submission).

Conditions:
Inborn genetic diseases. Identifiers: MedGen C0950123, MeSH D030342.

Submission:

Ambry Genetics
Classification: Uncertain significance for Inborn genetic diseases. Last evaluated: 2025-07-31. Review status: criteria provided, single submitter. Criteria: Ambry Variant Classification Scheme 2023. Collection method: clinical testing. Allele origin: germline.
Comment: The p.F79L variant (also known as c.235T>C), located in coding exon 2 of the HAX1 gene, results from a T to C substitution at nucleotide position 235. The phenylalanine at codon 79 is replaced by leucine, an amino acid with highly similar properties. This amino acid position is conserved. In addition, the in silico prediction for this alteration is inconclusive. Based on the available evidence, the clinical significance of this variant remains unclear.